The following is an entry in ClinVar:

ClinVar aggregate classification (germline): Likely benign. Review status: criteria provided, multiple submitters, no conflicts (2 of 4 stars). 2 submissions from 2 submitters: Likely benign (2). Last evaluated 2026-07-01.

gnomAD v4.1: 59 of 1,614,046 alleles (0.0037%); highest among the groups gnomAD compares: Non-Finnish European, 0.0046%; no homozygotes.

Submissions (2):

CeGaT Center for Human Genetics Tuebingen
Classification: Likely benign. Last evaluated: 2026-07-01. Review status: criteria provided, single submitter. Criteria: CeGaT Center For Human Genetics Tuebingen Variant Classification Criteria Version 2. Collection method: clinical testing. Allele origin: germline. Affected: yes. Observed: 1 variant allele.
Comment: CASZ1: BP4

Blueprint Genetics
Classification: Likely benign. Last evaluated: 2024-09-19. Review status: criteria provided, single submitter. Criteria: ACMG Guidelines, 2015. Collection method: clinical testing. Allele origin: germline.

NM_001079843.3(CASZ1):c.977G>A (p.Arg326Gln)

Gene: CASZ1 (castor zinc finger 1; minus strand). Cytogenetic location: 1p36.22.
Variant type: single nucleotide variant.
Coding change: c.977G>A on transcript NM_001079843.3 (MANE Select); coding-DNA position 977, G replaced by A.
Protein change: p.Arg326Gln; replaces arginine 326 with glutamine.
Molecular consequence: missense variant.
Genome position (GRCh38, 1-based): chr1:10,660,065, C>T on the plus strand (G>A on the coding strand, the complement: CASZ1 is on the minus strand). VCF-style: chr1-10660065-C-T. GRCh37 (hg19) VCF-style: chr1-10720122-C-T.
Other names: c.977G>A, p.Arg326Gln (NM_017766.5); short protein forms R326Q.
Identifiers: ClinVar variation 4954964 (VCV004954964.2).
Genomic context (GRCh38, chr1:10,660,065, plus strand): 5'-TACTTGACATTCTCCAGGTCGTACTTGGATGGCTTCTTGTAGGTGCTCCCGTTCTGGGGC[C>T]GCAGATTCTCGCCGGTCTTCAGTTTTTGGATGAAGAAGTCGTACTTGGAGGCCCGGGCTA-3'
Protein context (NP_001073312.1, residues 316-336): IQKLKTGENL[Arg326Gln]PQNGSTYKKP